The following is an entry in ClinVar:

ClinVar aggregate classification (germline): Pathogenic/Likely pathogenic. Review status: criteria provided, multiple submitters, no conflicts (2 of 4 stars). 5 submissions from 5 submitters: Pathogenic (3); Likely pathogenic (1). 1 of the submissions does not count toward it. Last evaluated 2025-04-23.

Conditions:
Charcot-Marie-Tooth disease, axonal, type 2EE. Also called: CHARCOT-MARIE-TOOTH NEUROPATHY, TYPE 2EE. Identifiers: MedGen C5193076, MONDO:0032728, OMIM 618400.
Mitochondrial DNA depletion syndrome. Also called: mitochondrial DNA depletion. Identifiers: Orphanet 35698, MedGen C0342782, MONDO:0018158.
Mitochondrial DNA depletion syndrome 6 (hepatocerebral type). Also called: Mitochondrial DNA depletion syndrome type 6; NAVAJO NEUROPATHY; Navajo neurohepatopathy. Identifiers: Orphanet 255229, MedGen C1850406, MONDO:0009747, OMIM 256810.

Allele frequency attached by ClinVar (database versions not stated): gnomAD exomes below 0.00001 and 0.00001; gnomAD 0.00001.
gnomAD v4.1: 2 of 1,614,024 alleles (0.00012%); highest among the groups gnomAD compares: Non-Finnish European, 0.000085%; no homozygotes.

Submissions (5):

Women's Health and Genetics/Laboratory Corporation of America, LabCorp
Classification: Pathogenic for Mitochondrial DNA depletion syndrome. Last evaluated: 2025-04-23. Review status: criteria provided, single submitter. Criteria: LabCorp Variant Classification Summary - May 2015. Collection method: clinical testing. Allele origin: germline.
Comment: Variant summary: MPV17 c.359G>A (p.Trp120X) results in a premature termination codon, predicted to cause a truncation of the encoded protein or absence of the protein due to nonsense mediated decay, which are commonly known mechanisms for disease. The variant allele was found at a frequency of 8e-06 in 251298 control chromosomes. c.359G>A has been observed in homozygous individuals affected with Mitochondrial DNA Depletion Syndrome - MPV17 Related (e.g. Spinazzola_2008). These data indicate that the variant is likely to be associated with disease. To our knowledge, no experimental evidence demonstrating an impact on protein function has been reported. The following publication has been ascertained in the context of this evaluation (PMID: 18695062). ClinVar contains an entry for this variant (Variation ID: 16164). Based on the evidence outlined above, the variant was classified as pathogenic.

Baylor Genetics
Classification: Pathogenic for Charcot-Marie-Tooth disease, axonal, type 2EE. Last evaluated: 2023-09-05. Review status: criteria provided, single submitter. Criteria: ACMG Guidelines, 2015. Collection method: clinical testing. Allele origin: unknown.

Labcorp Genetics (formerly Invitae), Labcorp
Classification: Pathogenic. Last evaluated: 2021-02-21. Review status: criteria provided, single submitter. Criteria: Invitae Variant Classification Sherloc (09022015). Collection method: clinical testing. Allele origin: germline.
Comment: For these reasons, this variant has been classified as Pathogenic. This variant has been observed in individual(s) with mitochondrial DNA depletion syndrome (PMID: 18695062). It has also been observed to segregate with disease in related individuals. ClinVar contains an entry for this variant (Variation ID: 16164). This variant is not present in population databases (ExAC no frequency). This sequence change creates a premature translational stop signal (p.Trp120*) in the MPV17 gene. It is expected to result in an absent or disrupted protein product. Loss-of-function variants in MPV17 are known to be pathogenic (PMID: 23714749).

SIB Swiss Institute of Bioinformatics
Classification: Likely pathogenic for Mitochondrial DNA depletion syndrome 6 (hepatocerebral type). Last evaluated: 2019-08-13. Review status: criteria provided, single submitter. Criteria: ACMG Guidelines, 2015. Collection method: curation. Allele origin: unknown.
Comment: This variant is interpreted as a Likely pathogenic for Mitochondrial DNA depletion syndrome 6, autosomal recessive. The following ACMG Tag(s) were applied: PM2, PVS1-strong, PP1, PM3-supporting.

OMIM
Classification: Pathogenic for MITOCHONDRIAL DNA DEPLETION SYNDROME 6 (HEPATOCEREBRAL TYPE). Last evaluated: 2008-08-01. Review status: no assertion criteria provided. Collection method: literature only. Allele origin: germline. Not counted in ClinVar's aggregate classification.

Literature cited by the submitters: PubMed 18695062 (cited by 4 submitters); PubMed 23714749 (cited by Labcorp Genetics (formerly Invitae), Labcorp).

NM_002437.5(MPV17):c.359G>A (p.Trp120Ter)

Gene: MPV17 (mitochondrial inner membrane protein MPV17; minus strand). Cytogenetic location: 2p23.3.
Variant type: single nucleotide variant.
Coding change: c.359G>A on transcript NM_002437.5 (MANE Select); coding-DNA position 359, G replaced by A.
Protein change: p.Trp120Ter; replaces tryptophan 120 with a stop codon.
Molecular consequence: nonsense.
Genome position (GRCh38, 1-based): chr2:27,312,510, C>T on the plus strand (G>A on the coding strand, the complement: MPV17 is on the minus strand). VCF-style: chr2-27312510-C-T. GRCh37 (hg19) VCF-style: chr2-27535377-C-T.
Other names: short protein forms W120*.
Identifiers: ClinVar variation 16164 (VCV000016164.15), dbSNP rs121909724, ClinGen allele CA341383.